The following is an entry in ClinVar:

NM_000944.5(PPP3CA):c.667G>C (p.Ala223Pro)

Gene: PPP3CA (protein phosphatase 3 catalytic subunit alpha; minus strand). Cytogenetic location: 4q24.
Variant type: single nucleotide variant.
Coding change: c.667G>C on transcript NM_000944.5 (MANE Select); coding-DNA position 667, G replaced by C.
Protein change: p.Ala223Pro; replaces alanine 223 with proline.
Molecular consequence: missense variant.
Genome position (GRCh38, 1-based): chr4:101,093,891, C>G on the plus strand (G>C on the coding strand, the complement: PPP3CA is on the minus strand). VCF-style: chr4-101093891-C-G. GRCh37 (hg19) VCF-style: chr4-102015048-C-G.
Other names: c.667G>C, p.Ala223Pro (NM_001130691.2, NM_001130692.2); short protein forms A223P.
Identifiers: ClinVar variation 2103376 (VCV002103376.4), dbSNP rs2475915914, ClinGen allele CA357949342.

ClinVar aggregate classification (germline): Uncertain significance (1 of 4 stars; one submission).

Submission:

Labcorp Genetics (formerly Invitae), Labcorp
Classification: Uncertain significance. Last evaluated: 2022-03-13. Review status: criteria provided, single submitter. Criteria: Invitae Variant Classification Sherloc (09022015). Collection method: clinical testing. Allele origin: germline.
Comment: In summary, the available evidence is currently insufficient to determine the role of this variant in disease. Therefore, it has been classified as a Variant of Uncertain Significance. Algorithms developed to predict the effect of missense changes on protein structure and function are either unavailable or do not agree on the potential impact of this missense change (SIFT: "Deleterious"; PolyPhen-2: "Probably Damaging"; Align-GVGD: "Class C0"). This variant has not been reported in the literature in individuals affected with PPP3CA-related conditions. This variant is not present in population databases (gnomAD no frequency). This sequence change replaces alanine, which is neutral and non-polar, with proline, which is neutral and non-polar, at codon 223 of the PPP3CA protein (p.Ala223Pro).